The following is an entry in ClinVar:

ClinVar aggregate classification (germline): Uncertain significance (1 of 4 stars; one submission).

Conditions:
RYR1-related disorder. Also called: RYR1-related condition; RYR1-related disorders. Identifiers: MedGen CN239331.

Allele frequency attached by ClinVar (database versions not stated): gnomAD 0.00001; gnomAD exomes 0.00001; TOPMed 0.00001.
gnomAD v4.1: 14 of 1,613,334 alleles (0.00087%); highest among the groups gnomAD compares: Non-Finnish European, 0.0011%; no homozygotes.

Submission:

Labcorp Genetics (formerly Invitae), Labcorp
Classification: Uncertain significance for RYR1-related disorder. Last evaluated: 2022-08-24. Review status: criteria provided, single submitter. Criteria: Invitae Variant Classification Sherloc (09022015). Collection method: clinical testing. Allele origin: germline.
Comment: This sequence change replaces glutamic acid, which is acidic and polar, with glycine, which is neutral and non-polar, at codon 1720 of the RYR1 protein (p.Glu1720Gly). This variant is not present in population databases (gnomAD no frequency). This variant has not been reported in the literature in individuals affected with RYR1-related conditions. Advanced modeling of protein sequence and biophysical properties (such as structural, functional, and spatial information, amino acid conservation, physicochemical variation, residue mobility, and thermodynamic stability) performed at Invitae indicates that this missense variant is expected to disrupt RYR1 protein function. In summary, the available evidence is currently insufficient to determine the role of this variant in disease. Therefore, it has been classified as a Variant of Uncertain Significance.

NM_000540.3(RYR1):c.5159A>G (p.Glu1720Gly)

Gene: RYR1 (ryanodine receptor 1; plus strand). Cytogenetic location: 19q13.2.
Variant type: single nucleotide variant.
Coding change: c.5159A>G on transcript NM_000540.3 (MANE Select); coding-DNA position 5159, A replaced by G.
Protein change: p.Glu1720Gly; replaces glutamic acid 1720 with glycine.
Molecular consequence: missense variant.
Genome position (GRCh38, 1-based): chr19:38,485,814, A>G. VCF-style: chr19-38485814-A-G. GRCh37 (hg19) VCF-style: chr19-38976454-A-G.
Other names: c.5159A>G, p.Glu1720Gly (NM_001042723.2); short protein forms E1720G.
Identifiers: ClinVar variation 2143815 (VCV002143815.1), dbSNP rs1248362080, ClinGen allele CA405654013.